The following is an entry in ClinVar:

NM_004618.5(TOP3A):c.460G>A (p.Glu154Lys)

Gene: TOP3A (DNA topoisomerase III alpha; minus strand). Cytogenetic location: 17p11.2.
Variant type: single nucleotide variant.
Coding change: c.460G>A on transcript NM_004618.5 (MANE Select); coding-DNA position 460, G replaced by A.
Protein change: p.Glu154Lys; replaces glutamic acid 154 with lysine.
Molecular consequence: missense variant.
Genome position (GRCh38, 1-based): chr17:18,305,151, C>T on the plus strand (G>A on the coding strand, the complement: TOP3A is on the minus strand). VCF-style: chr17-18305151-C-T. GRCh37 (hg19) VCF-style: chr17-18208465-C-T.
Other names: c.175G>A, p.Glu59Lys (NM_001320759.2); c.460G>A (NM_004618.3); short protein forms E154K, E59K.
Identifiers: ClinVar variation 1198080 (VCV001198080.5), dbSNP rs772020353, ClinGen allele CA8430217.

ClinVar aggregate classification (germline): Uncertain significance. Review status: criteria provided, multiple submitters, no conflicts (2 of 4 stars). 2 submissions from 2 submitters: Uncertain significance (2). Last evaluated 2023-06-21.

Conditions:
Inborn genetic diseases. Identifiers: MedGen C0950123, MeSH D030342.

Allele frequency attached by ClinVar (database versions not stated): ExAC 0.00001; gnomAD 0.00001; gnomAD exomes 0.00001 and 0.00003.
gnomAD v4.1: 45 of 1,614,072 alleles (0.0028%); highest among the groups gnomAD compares: Non-Finnish European, 0.0036%; no homozygotes.

Submissions (2):

Ambry Genetics
Classification: Uncertain significance for Inborn genetic diseases. Last evaluated: 2023-06-21. Review status: criteria provided, single submitter. Criteria: Ambry Variant Classification Scheme 2023. Collection method: clinical testing. Allele origin: germline.

GeneDx
Classification: Uncertain significance. Last evaluated: 2023-03-20. Review status: criteria provided, single submitter. Criteria: GeneDx Variant Classification Process June 2021. Collection method: clinical testing. Allele origin: germline. Affected: yes.
Comment: In silico analysis supports that this missense variant has a deleterious effect on protein structure/function; Has not been previously published as pathogenic or benign to our knowledge